The following is an entry in ClinVar:

NM_201384.3(PLEC):c.5948G>A (p.Arg1983His)

Gene: PLEC (plectin; minus strand). Cytogenetic location: 8q24.3.
Variant type: single nucleotide variant.
Coding change: c.5948G>A on transcript NM_201384.3 (MANE Select); coding-DNA position 5948, G replaced by A.
Protein change: p.Arg1983His; replaces arginine 1983 with histidine.
Molecular consequence: missense variant.
Genome position (GRCh38, 1-based): chr8:143,923,981, C>T on the plus strand (G>A on the coding strand, the complement: PLEC is on the minus strand). VCF-style: chr8-143923981-C-T. GRCh37 (hg19) VCF-style: chr8-144998149-C-T.
Other names: c.6029G>A, p.Arg2010His (NM_000445.5); c.5906G>A, p.Arg1969His (NM_201378.4); c.5882G>A, p.Arg1961His (NM_201379.3); c.6359G>A, p.Arg2120His (NM_201380.4); c.5852G>A, p.Arg1951His (NM_201381.3); c.5948G>A, p.Arg1983His (NM_201382.4); c.5960G>A, p.Arg1987His (NM_201383.3); c.6029G>A (NM_000445.3); short protein forms R1951H, R1961H, R1969H, R1983H, R1987H, R2010H, R2120H.
Identifiers: ClinVar variation 196759 (VCV000196759.18), dbSNP rs527947459, ClinGen allele CA244056.

ClinVar aggregate classification (germline): Conflicting classifications of pathogenicity. Review status: criteria provided, conflicting classifications (1 of 4 stars). 5 submissions from 5 submitters: Uncertain significance (2); Likely benign (3). Last evaluated 2026-01-18.

Conditions:
PLEC-related disorder. Also called: PLEC-related condition; PLEC-related disorders.
Epidermolysis bullosa simplex 5B, with muscular dystrophy (EBS5B). Also called: EPIDERMOLYSIS BULLOSA SIMPLEX AND LIMB-GIRDLE MUSCULAR DYSTROPHY; Epidermolysis bullosa simplex with muscular dystrophy. Identifiers: Orphanet 257, MedGen C2931072, MONDO:0009181, OMIM 226670.
Epidermolysis bullosa simplex, Ogna type (EBS5A). Also called: Pidermolysis bullosa simplex 5A, Ogna type; EPIDERMOLYSIS BULLOSA SIMPLEX 5A, OGNA TYPE. Identifiers: Orphanet 79401, MedGen C0432317, MONDO:0007555, OMIM 131950.
Autosomal recessive limb-girdle muscular dystrophy type 2Q (LGMDR17). Also called: MUSCULAR DYSTROPHY, LIMB-GIRDLE, AUTOSOMAL RECESSIVE 17. Identifiers: Orphanet 254361, MedGen C3150989, MONDO:0013390, OMIM 613723.
Epidermolysis bullosa simplex with nail dystrophy (EBS5D). Identifiers: MedGen C4225309, MONDO:0014661, OMIM 616487.
Epidermolysis bullosa simplex 5C, with pyloric atresia (EBS5C). Also called: PLEC-Related Epidermolysis Bullosa with Pyloric Atresia; Epidermolysis bullosa simplex with pyloric atresia; PLEC1-Related Epidermolysis Bullosa with Pyloric Atresia. Identifiers: Orphanet 158684, MedGen C2677349, MONDO:0012807, OMIM 612138.
Inborn genetic diseases. Identifiers: MedGen C0950123, MeSH D030342.

Allele frequency attached by ClinVar (database versions not stated): gnomAD 0.00001 and 0.00011; 1000 Genomes Project 0.00020; 1000 Genomes Project 30x 0.00031; gnomAD exomes 0.00032.
gnomAD v4.1: 216 of 1,583,370 alleles (0.014%); highest among the groups gnomAD compares: South Asian, 0.21%; 2 homozygotes.

Submissions (5):

Labcorp Genetics (formerly Invitae), Labcorp
Classification: Likely benign for Autosomal recessive limb-girdle muscular dystrophy type 2Q; Epidermolysis bullosa simplex, Ogna type; Epidermolysis bullosa simplex with nail dystrophy; Epidermolysis bullosa simplex 5C, with pyloric atresia; Epidermolysis bullosa simplex 5B, with muscular dystrophy. Last evaluated: 2026-01-18. Review status: criteria provided, single submitter. Criteria: Invitae Variant Classification Sherloc (09022015). Collection method: clinical testing. Allele origin: germline.

PreventionGenetics, part of Exact Sciences
Classification: Likely benign for PLEC-related condition. Last evaluated: 2025-05-28. Review status: criteria provided, single submitter. Criteria: ACMG Guidelines, 2015. Collection method: clinical testing. Allele origin: germline.
Comment: This variant is classified as likely benign based on ACMG/AMP sequence variant interpretation guidelines (Richards et al. 2015 PMID: 25741868, with internal and published modifications).

Ambry Genetics
Classification: Uncertain significance for Inborn genetic diseases. Last evaluated: 2024-09-01. Review status: criteria provided, single submitter. Criteria: Ambry Variant Classification Scheme 2023. Collection method: clinical testing. Allele origin: germline.

Revvity Omics, Revvity
Classification: Likely benign. Last evaluated: 2023-11-30. Review status: criteria provided, single submitter. Criteria: ACMG Guidelines, 2015. Collection method: clinical testing. Allele origin: germline.

Eurofins Ntd Llc (ga)
Classification: Uncertain significance. Last evaluated: 2015-03-09. Review status: criteria provided, single submitter. Criteria: EGL Classification Definitions 2015. Collection method: clinical testing. Allele origin: germline. Observed: 1 variant allele, 1 heterozygote.